The following is an entry in ClinVar:

ClinVar aggregate classification (germline): Uncertain significance (1 of 4 stars; one submission).

Conditions:
SEMA3C-related disorder. Also called: SEMA3C-related condition.

Submission:

PreventionGenetics, part of Exact Sciences
Classification: Uncertain significance for SEMA3C-related condition. Last evaluated: 2025-09-19. Review status: criteria provided, single submitter. Criteria: ACMG Guidelines, 2015. Collection method: clinical testing. Allele origin: germline.
Comment: The SEMA3C c.858delT variant is predicted to result in a frameshift and premature protein termination (p.Asn286Lysfs*17). To our knowledge, this variant has not been reported in the literature. This variant is reported in 0.00088% of alleles in individuals of European (Non-Finnish) descent in gnomAD. Loss of function has not been conclusively established as a mechanism for SEMA3C-related disorders. At this time, the clinical significance of this variant is uncertain due to the absence of conclusive functional and genetic evidence.

NM_006379.5(SEMA3C):c.804del (p.Asn268fs)

Gene: SEMA3C (semaphorin 3C; minus strand). Cytogenetic location: 7q21.11.
Variant type: Deletion.
Coding change: c.804del on transcript NM_006379.5 (MANE Select); coding-DNA position 804, one base deleted (T; older notation c.804delT).
Protein change: p.Asn268fs; shifts the reading frame from asparagine 268.
Molecular consequence: frameshift variant.
Genome position (GRCh38, 1-based): chr7:80,802,777, A deleted on the plus strand (T on the coding strand, the reverse complement: SEMA3C is on the minus strand). VCF-style (leftmost placement, unchanged base first): chr7-80802776-CA-C. GRCh37 (hg19) VCF-style: chr7-80432092-CA-C.
Other names: c.858del, p.Asn286fs (NM_001350120.2); c.630del, p.Asn210fs (NM_001350121.2); short protein forms N286fs, N210fs, N268fs.
Identifiers: ClinVar variation 4983894 (VCV004983894.1).